The following is an entry in ClinVar:

NM_002474.3(MYH11):c.4579-5G>A

Genes: NDE1 (nudE neurodevelopment protein 1; plus strand), MYH11 (myosin heavy chain 11; minus strand). Cytogenetic location: 16p13.11.
Variant type: single nucleotide variant.
Coding change: c.4579-5G>A on transcript NM_002474.3 (MANE Select); 5 bases into the intron before coding-DNA position 4579, G replaced by A.
Molecular consequence: intron variant.
Genome position (GRCh38, 1-based): chr16:15,721,056, C>T on the plus strand (G>A on the coding strand, the complement: MYH11 is on the minus strand). VCF-style: chr16-15721056-C-T. GRCh37 (hg19) VCF-style: chr16-15814913-C-T.
Other names: c.948-3135C>T (NM_001143979.2, NM_017668.3); c.4579-5G>A (NM_022844.3); c.4600-5G>A (NM_001040114.2, NM_001040113.2).
Identifiers: ClinVar variation 318111 (VCV000318111.20), dbSNP rs759760029, ClinGen allele CA7921617.

ClinVar aggregate classification (germline): Conflicting classifications of pathogenicity. Review status: criteria provided, conflicting classifications (1 of 4 stars). 6 submissions from 6 submitters: Uncertain significance (5); Likely benign (1). Last evaluated 2025-09-07.

Conditions:
Familial thoracic aortic aneurysm and aortic dissection (TAAD). Also called: Thoracic aortic aneurysms and dissections. Identifiers: Orphanet 91387, MedGen C4707243, MONDO:0019625.
Aortic aneurysm, familial thoracic 4 (AAT4). Also called: AORTIC ANEURYSM/AORTIC DISSECTION AND PATENT DUCTUS ARTERIOSUS. Identifiers: MedGen C1851504, MONDO:0007568, OMIM 132900.

Allele frequency attached by ClinVar (database versions not stated): ExAC 0.00001; gnomAD 0.00001; gnomAD exomes 0.00001.
gnomAD v4.1: 23 of 1,613,574 alleles (0.0014%); highest among the groups gnomAD compares: Non-Finnish European, 0.0017%; no homozygotes.

Submissions (6):

Labcorp Genetics (formerly Invitae), Labcorp
Classification: Uncertain significance for Aortic aneurysm, familial thoracic 4. Last evaluated: 2025-09-07. Review status: criteria provided, single submitter. Criteria: Invitae Variant Classification Sherloc (09022015). Collection method: clinical testing. Allele origin: germline.
Comment: This sequence change falls in intron 33 of the MYH11 gene. It does not directly change the encoded amino acid sequence of the MYH11 protein. This variant is not present in population databases (gnomAD no frequency). This variant has not been reported in the literature in individuals affected with MYH11-related conditions. ClinVar contains an entry for this variant (Variation ID: 318111). Algorithms developed to predict the effect of sequence changes on RNA splicing suggest that this variant may create or strengthen a splice site. In summary, the available evidence is currently insufficient to determine the role of this variant in disease. Therefore, it has been classified as a Variant of Uncertain Significance.

Color Diagnostics, LLC DBA Color Health
Classification: Uncertain significance for Familial thoracic aortic aneurysm and aortic dissection. Last evaluated: 2024-05-06. Review status: criteria provided, single submitter. Criteria: ACMG Guidelines, 2015. Collection method: clinical testing. Allele origin: germline.
Comment: This variant causes a G to A nucleotide substitution at the -5 position of intron 33 of the MYH11 gene. Splice site prediction tools are inconclusive regarding the impact of this variant on RNA splicing. To our knowledge, RNA studies have not been reported for this variant. This variant has not been reported in individuals affected with MYH11-related disorders in the literature. This variant has not been identified in the general population by the Genome Aggregation Database (gnomAD). The available evidence is insufficient to determine the role of this variant in disease conclusively. Therefore, this variant is classified as a Variant of Uncertain Significance.

Department of Pathology and Laboratory Medicine, Sinai Health System
Classification: Uncertain significance for familial thoracic aortic aneurysm and aortic dissection. Last evaluated: 2021-12-02. Review status: criteria provided, single submitter. Criteria: ACMG Guidelines, 2015. Collection method: research. Allele origin: germline.

Ambry Genetics
Classification: Uncertain significance for Familial thoracic aortic aneurysm and aortic dissection. Last evaluated: 2021-10-15. Review status: criteria provided, single submitter. Criteria: Ambry Variant Classification Scheme 2023. Collection method: clinical testing. Allele origin: germline.
Comment: The c.4579-5G>A intronic variant results from a G to A substitution 5 nucleotides upstream from coding exon 32 in the MYH11 gene. This nucleotide position is not well conserved in available vertebrate species. In silico splice site analysis predicts that this alteration will result in the creation or strengthening of a novel splice acceptor site. Since supporting evidence is limited at this time, the clinical significance of this alteration remains unclear.

GeneDx
Classification: Likely benign. Last evaluated: 2021-02-01. Review status: criteria provided, single submitter. Criteria: GeneDx Variant Classification Process June 2021. Collection method: clinical testing. Allele origin: germline. Affected: yes.

Illumina Laboratory Services, Illumina
Classification: Uncertain significance for Aortic aneurysm, familial thoracic 4. Last evaluated: 2018-01-13. Review status: criteria provided, single submitter. Criteria: ICSL Variant Classification Criteria 13 December 2019. Collection method: clinical testing. Allele origin: germline.